The following is an entry in ClinVar:

ClinVar aggregate classification (germline): Pathogenic/Likely pathogenic. Review status: criteria provided, multiple submitters, no conflicts (2 of 4 stars). 3 submissions from 3 submitters: Pathogenic (1); Likely pathogenic (2). Last evaluated 2025-09-10.

Conditions:
Nemaline myopathy. Also called: Myopathies, Nemaline. Identifiers: Orphanet 607, MedGen C0206157, MONDO:0018958.
Nemaline myopathy 2 (NEM2). Also called: Nemaline myopathy 2, autosomal recessive. Identifiers: MedGen C1850569, MONDO:0009725, OMIM 256030.

Submissions (3):

Natera, Inc.
Classification: Likely pathogenic for Nemaline myopathy type 2. Last evaluated: 2025-09-10. Review status: criteria provided, single submitter. Criteria: Natera Variant Classification Schema (03/2026). Collection method: clinical testing. Allele origin: germline.
Comment: The c.24001_24004delAGAG variant in NEB is a frameshift variant predicted to shift the reading frame beginning at codon 8001 and leads to a stop codon 17 codons downstream. This variant is expected to result in nonsense mediated decay, truncation, or a dysfunctional protein product. This variant is rare in the general population with a frequency below the threshold expected for the associated phenotype(s). Given the available evidence, this variant is classified as Likely Pathogenic.

Broad Center for Mendelian Genomics, Broad Institute of MIT and Harvard
Classification: Likely pathogenic for Nemaline myopathy. Last evaluated: 2025-02-26. Review status: criteria provided, single submitter. Criteria: ACMG Guidelines, 2015. Collection method: curation. Allele origin: germline. Inheritance: Autosomal recessive inheritance.
Comment: The p.Arg7966SerfsTer17 variant in NEB has not been previously reported in the literature in individuals with nemaline myopathy, but has been identified in 0.000085% (1/1176864) of European (non-Finnish) chromosomes by the Genome Aggregation Database (gnomAD; dbSNP ID: rs2153102752). Although this variant has been seen in the general population in a heterozygous state, its frequency is low enough to be consistent with a recessive carrier frequency. This variant has also been reported in ClinVar (Variation ID: 1456332) and has been interpreted as pathogenic by Invitae. This variant is predicted to cause a frameshift, which alters the protein‚Äôs amino acid sequence beginning at position 7966 and leads to a premature termination codon 17 amino acids downstream. This alteration is then predicted to lead to a truncated or absent protein. Loss of function of the NEB gene is an established disease mechanism in autosomal recessive nemaline myopathy. In summary, although additional studies are required to fully establish its clinical significance, this variant is likely pathogenic for autosomal recessive nemaline myopathy. ACMG/AMP Criteria applied: PVS1, PM2_supporting (Richards 2015).

Labcorp Genetics (formerly Invitae), Labcorp
Classification: Pathogenic for Nemaline myopathy 2. Last evaluated: 2023-12-30. Review status: criteria provided, single submitter. Criteria: Invitae Variant Classification Sherloc (09022015). Collection method: clinical testing. Allele origin: germline.
Comment: This sequence change creates a premature translational stop signal (p.Arg8001Serfs*17) in the NEB gene. It is expected to result in an absent or disrupted protein product. Loss-of-function variants in NEB are known to be pathogenic (PMID: 25205138). This variant is not present in population databases (gnomAD no frequency). This variant has not been reported in the literature in individuals affected with NEB-related conditions. For these reasons, this variant has been classified as Pathogenic.

Literature cited by the submitters: PubMed 25205138 (cited by Labcorp Genetics (formerly Invitae), Labcorp).

NM_001164508.2(NEB):c.23896_23899del (p.Arg7966fs)

Genes: NEB (nebulin; minus strand), RIF1 (replication timing regulatory factor 1; plus strand). Cytogenetic location: 2q23.3.
Variant type: Microsatellite.
Coding change: c.23896_23899del on transcript NM_001164508.2 (MANE Select); coding-DNA positions 23896 to 23899, 4 bases deleted (AGAG; older notation c.23896_23899delAGAG).
Protein change: p.Arg7966fs; shifts the reading frame from arginine 7966.
Molecular consequence: frameshift variant.
Genome position (GRCh38, 1-based): chr2:151,502,822-151,502,825, CTCT deleted on the plus strand (AGAG on the coding strand, the reverse complement: NEB is on the minus strand); deleting any 4 consecutive bases within chr2:151,502,822-151,502,828 gives the same sequence; the c. name uses the placement nearest the transcript's 3' end. VCF-style (leftmost placement, unchanged base first): chr2-151502821-ACTCT-A. GRCh37 (hg19) VCF-style: chr2-152359335-ACTCT-A.
Other names: NM_001164508.2(NEB):c.23896_23899del; p.Arg7966fs; c.24001_24004delAGAG (NM_001271208.1); c.23896_23899del, p.Arg7966fs (NM_001164507.2); c.24001_24004del, p.Arg8001fs (NM_001271208.2); c.18793_18796del, p.Arg6265fs (NM_004543.5); short protein forms R7966fs, R6265fs, R8001fs.
Identifiers: ClinVar variation 1456332 (VCV001456332.8), dbSNP rs2153102752, ClinGen allele CA2580611699.
Genomic context (GRCh38, chr2:151,502,821, plus strand): 5'-GATTTTTTTTTTTTTGGCCCCCTAAGAAATACCGAGCTAAAGTTCTCTTGATTGCGTTTG[ACTCT>A]CTCCATCTCTGGAGTGATAGGTGTTGGGATTCCTTTCCCCAAATTTTCTTTGTACAAAAC-3'